The following is an entry in ClinVar:

ClinVar aggregate classification (germline): Benign (0 of 4 stars; one submission).

Conditions:
Keratoconus 1 (KTCN1). Identifiers: MedGen C1835677, MONDO:0007851, OMIM 148300.

Allele frequency attached by ClinVar (database versions not stated): TOPMed 0.00001.
gnomAD v4.1: 4 of 1,549,098 alleles (0.00026%); highest among the groups gnomAD compares: Non-Finnish European, 0.00035%; no homozygotes.

Submission:

Willoughby Group, Queen's University Belfast
Classification: Benign for Keratoconus 1. Review status: no assertion criteria provided. Collection method: not provided. Allele origin: germline.
ClinVar note: Converted during submission from non-pathogenic to Benign.

NM_001367624.2(ZNF469):c.4910G>C (p.Arg1637Pro)

Gene: ZNF469 (zinc finger protein 469; plus strand). Cytogenetic location: 16q24.2.
Variant type: single nucleotide variant.
Coding change: c.4910G>C on transcript NM_001367624.2 (MANE Select); coding-DNA position 4910, G replaced by C.
Protein change: p.Arg1637Pro; replaces arginine 1637 with proline.
Molecular consequence: missense variant.
Genome position (GRCh38, 1-based): chr16:88,432,380, G>C. VCF-style: chr16-88432380-G-C. GRCh37 (hg19) VCF-style: chr16-88498788-G-C.
Other names: short protein forms R1637P.
Identifiers: ClinVar variation 126926 (VCV000126926.2), dbSNP rs273585621, ClinGen allele CA151291.